The following is an entry in ClinVar:

ClinVar aggregate classification (germline): Uncertain significance (1 of 4 stars; one submission).

Conditions:
Kostmann syndrome (SCN3). Also called: KOSTMANN DISEASE; Autosomal recessive severe congenital neutropenia type 3. Identifiers: Orphanet 99749, MedGen C5235141, MONDO:0012548, OMIM 610738.

Allele frequency attached by ClinVar (database versions not stated): gnomAD exomes below 0.00001.
gnomAD v4.1: 1 of 1,611,046 alleles (0.000062%); highest among the groups gnomAD compares: Non-Finnish European, 0.000085%; no homozygotes.

Submission:

Labcorp Genetics (formerly Invitae), Labcorp
Classification: Uncertain significance for Kostmann syndrome. Last evaluated: 2024-08-05. Review status: criteria provided, single submitter. Criteria: Invitae Variant Classification Sherloc (09022015). Collection method: clinical testing. Allele origin: germline.
Comment: This sequence change replaces proline, which is neutral and non-polar, with histidine, which is basic and polar, at codon 174 of the HAX1 protein (p.Pro174His). The frequency data for this variant in the population databases is considered unreliable, as metrics indicate poor data quality at this position in the gnomAD database. This variant has not been reported in the literature in individuals affected with HAX1-related conditions. ClinVar contains an entry for this variant (Variation ID: 1034749). Advanced modeling of protein sequence and biophysical properties (such as structural, functional, and spatial information, amino acid conservation, physicochemical variation, residue mobility, and thermodynamic stability) performed at Invitae indicates that this missense variant is not expected to disrupt HAX1 protein function with a negative predictive value of 80%. In summary, the available evidence is currently insufficient to determine the role of this variant in disease. Therefore, it has been classified as a Variant of Uncertain Significance.

NM_006118.4(HAX1):c.521C>A (p.Pro174His)

Gene: HAX1 (HCLS1 associated protein X-1; plus strand). Cytogenetic location: 1q21.3.
Variant type: single nucleotide variant.
Coding change: c.521C>A on transcript NM_006118.4 (MANE Select); coding-DNA position 521, C replaced by A.
Protein change: p.Pro174His; replaces proline 174 with histidine.
Molecular consequence: missense variant.
Genome position (GRCh38, 1-based): chr1:154,274,966, C>A. VCF-style: chr1-154274966-C-A. GRCh37 (hg19) VCF-style: chr1-154247442-C-A.
Other names: c.377C>A, p.Pro126His (NM_001018837.2); short protein forms P174H, P126H.
Identifiers: ClinVar variation 1034749 (VCV001034749.8), dbSNP rs1257711613, ClinGen allele CA342593042.